The following is an entry in ClinVar:

ClinVar aggregate classification (germline): Uncertain significance. Review status: criteria provided, multiple submitters, no conflicts (2 of 4 stars). 2 submissions from 2 submitters: Uncertain significance (2). Last evaluated 2024-05-12.

Conditions:
Nephronophthisis. Also called: Juvenile Nephronophthisis. Identifiers: Orphanet 655, MedGen C0687120, MONDO:0019005, HP:0000090.
Senior-Loken syndrome 5 (SLSN5). Identifiers: Orphanet 3156, MedGen C1836517, MONDO:0012225, OMIM 609254.

Allele frequency attached by ClinVar (database versions not stated): gnomAD exomes below 0.00001; TOPMed 0.00001.
gnomAD v4.1: 3 of 1,600,100 alleles (0.00019%); highest among the groups gnomAD compares: Non-Finnish European, 0.00026%; no homozygotes.

Submissions (2):

Fulgent Genetics
Classification: Uncertain significance for Senior-Loken syndrome 5. Last evaluated: 2024-05-12. Review status: criteria provided, single submitter. Criteria: ACMG Guidelines, 2015. Collection method: clinical testing. Allele origin: germline.

Labcorp Genetics (formerly Invitae), Labcorp
Classification: Uncertain significance for Nephronophthisis. Last evaluated: 2022-03-09. Review status: criteria provided, single submitter. Criteria: Invitae Variant Classification Sherloc (09022015). Collection method: clinical testing. Allele origin: germline.
Comment: In summary, the available evidence is currently insufficient to determine the role of this variant in disease. Therefore, it has been classified as a Variant of Uncertain Significance. Algorithms developed to predict the effect of missense changes on protein structure and function are either unavailable or do not agree on the potential impact of this missense change (SIFT: "Tolerated"; PolyPhen-2: "Benign"; Align-GVGD: "Class C25"). This variant has not been reported in the literature in individuals affected with IQCB1-related conditions. This variant is present in population databases (no rsID available, gnomAD 0.003%). This sequence change replaces tyrosine, which is neutral and polar, with cysteine, which is neutral and slightly polar, at codon 208 of the IQCB1 protein (p.Tyr208Cys).

NM_001023570.4(IQCB1):c.623A>G (p.Tyr208Cys)

Gene: IQCB1 (IQ motif containing B1; minus strand). Cytogenetic location: 3q13.33.
Variant type: single nucleotide variant.
Coding change: c.623A>G on transcript NM_001023570.4 (MANE Select); coding-DNA position 623, A replaced by G.
Protein change: p.Tyr208Cys; replaces tyrosine 208 with cysteine.
Molecular consequence: missense variant. On other transcripts: non-coding transcript variant (1), intron variant (1).
Genome position (GRCh38, 1-based): chr3:121,799,339, T>C on the plus strand (A>G on the coding strand, the complement: IQCB1 is on the minus strand). VCF-style: chr3-121799339-T-C. GRCh37 (hg19) VCF-style: chr3-121518186-T-C.
Other names: c.623A>G, p.Tyr208Cys (NM_001319107.2); c.587+8005A>G (NM_001023571.4); short protein forms Y208C.
Identifiers: ClinVar variation 1952815 (VCV001952815.4), dbSNP rs1051147699, ClinGen allele CA82686841.